The following is an entry in ClinVar:

NM_000458.4(HNF1B):c.*444=

Gene: HNF1B (HNF1 homeobox B; minus strand). Cytogenetic location: 17q12.
Variant type: single nucleotide variant.
Coding change: c.*444= on transcript NM_000458.4 (MANE Select); 444 bases downstream of the stop codon, no change from the reference sequence.
Molecular consequence: no sequence alteration.
Genome position: GRCh38 VCF-style: chr17-37686928-T-T. GRCh37 (hg19) VCF-style: chr17-36046931-G-T.
Other names: c.*444= (NM_001165923.4); c.*352= (NM_001304286.2).
Identifiers: ClinVar variation 322936 (VCV000322936.6), dbSNP rs2688.

ClinVar aggregate classification (germline): Benign. Review status: criteria provided, multiple submitters, no conflicts (2 of 4 stars). 2 submissions from 2 submitters: Benign (2). Last evaluated 2018-01-12.

Conditions:
Renal cysts and diabetes syndrome (RCAD). Also called: MATURITY-ONSET DIABETES OF THE YOUNG, TYPE 5; Familial hypoplastic, glomerulocystic kidney. Identifiers: Orphanet 93111, MedGen C0431693, MONDO:0007669, OMIM 137920.

Allele frequency attached by ClinVar (database versions not stated): 1000 Genomes Project 30x 0.56215; TOPMed 0.57791; gnomAD 0.58440 and 0.58526.

Submissions (2):

Illumina Laboratory Services, Illumina
Classification: Benign for Renal cysts and diabetes syndrome. Last evaluated: 2018-01-12. Review status: criteria provided, single submitter. Criteria: ICSL Variant Classification Criteria 13 December 2019. Collection method: clinical testing. Allele origin: germline.
Comment: This variant was observed in the ICSL laboratory as part of a predisposition screen in an ostensibly healthy population. It had not been previously curated by ICSL or reported in the Human Gene Mutation Database (HGMD: prior to June 1st, 2018), and was therefore a candidate for classification through an automated scoring system. Utilizing variant allele frequency, disease prevalence and penetrance estimates, and inheritance mode, an automated score was calculated to assess if this variant is too frequent to cause the disease. Based on the score and internal cut-off values, a variant classified as benign is not then subjected to further curation. The score for this variant resulted in a classification of benign for this disease.

Breakthrough Genomics
Classification: Benign. Review status: criteria provided, single submitter. Criteria: ACMG Guidelines, 2015. Collection method: not provided. Allele origin: germline. Inheritance: Autosomal dominant inheritance. Affected: yes.